The following is an entry in ClinVar:

ClinVar aggregate classification (germline): Likely benign. Review status: criteria provided, multiple submitters, no conflicts (2 of 4 stars). 2 submissions from 2 submitters: Likely benign (2). Last evaluated 2023-07-17.

Conditions:
Hereditary hemochromatosis (HFE). Identifiers: MedGen C0392514, MONDO:0006507. Disease mechanism: loss of function.

Allele frequency attached by ClinVar (database versions not stated): gnomAD 0.00001; 1000 Genomes Project 0.00040; 1000 Genomes Project 30x 0.00047.
gnomAD v4.1: 10 of 1,614,122 alleles (0.00062%); highest among the groups gnomAD compares: East Asian, 0.0045%; no homozygotes.

Submissions (2):

Labcorp Genetics (formerly Invitae), Labcorp
Classification: Likely benign for Hereditary hemochromatosis. Last evaluated: 2023-07-17. Review status: criteria provided, single submitter. Criteria: Invitae Variant Classification Sherloc (09022015). Collection method: clinical testing. Allele origin: germline.

CeGaT Center for Human Genetics Tuebingen
Classification: Likely benign. Last evaluated: 2023-03-01. Review status: criteria provided, single submitter. Criteria: CeGaT Center For Human Genetics Tuebingen Variant Classification Criteria Version 2. Collection method: clinical testing. Allele origin: germline. Affected: yes. Observed: 1 variant allele.
Comment: HAMP: BP4, BP7

NM_021175.4(HAMP):c.27C>T (p.Ala9=)

Gene: HAMP (hepcidin antimicrobial peptide; plus strand). Cytogenetic location: 19q13.12.
Variant type: single nucleotide variant.
Coding change: c.27C>T on transcript NM_021175.4 (MANE Select); coding-DNA position 27, C replaced by T.
Protein change: p.Ala9=; no amino-acid change (alanine 9 retained).
Molecular consequence: synonymous variant.
Genome position (GRCh38, 1-based): chr19:35,282,604, C>T. VCF-style: chr19-35282604-C-T. GRCh37 (hg19) VCF-style: chr19-35773507-C-T.
Identifiers: ClinVar variation 2498770 (VCV002498770.31), dbSNP rs201371612, ClinGen allele CA9375752.